The following is an entry in ClinVar:

ClinVar aggregate classification (germline): Likely benign (0 of 4 stars; one submission).

Conditions:
PCNT-related disorder. Also called: PCNT-related condition.

Submission:

PreventionGenetics, part of Exact Sciences
Classification: Likely benign for PCNT-related condition. Last evaluated: 2023-05-16. Review status: no assertion criteria provided. Collection method: clinical testing. Allele origin: germline.
Comment: This variant is classified as likely benign based on ACMG/AMP sequence variant interpretation guidelines (Richards et al. 2015 PMID: 25741868, with internal and published modifications).

NM_006031.6(PCNT):c.3841-6T>A

Gene: PCNT (pericentrin; plus strand). Cytogenetic location: 21q22.3.
Variant type: single nucleotide variant.
Coding change: c.3841-6T>A on transcript NM_006031.6 (MANE Select); 6 bases into the intron before coding-DNA position 3841, T replaced by A.
Molecular consequence: intron variant.
Genome position (GRCh38, 1-based): chr21:46,390,664, T>A. VCF-style: chr21-46390664-T-A. GRCh37 (hg19) VCF-style: chr21-47810579-T-A.
Other names: c.3487-6T>A (NM_001315529.2).
Identifiers: ClinVar variation 3356686 (VCV003356686.1).